The following is an entry in ClinVar:

ClinVar aggregate classification (germline): Pathogenic/Likely pathogenic. Review status: criteria provided, multiple submitters, no conflicts (2 of 4 stars). 2 submissions from 2 submitters: Pathogenic (1); Likely pathogenic (1). Last evaluated 2024-03-04.

Conditions:
RYR1-related disorder. Also called: RYR1-related condition; RYR1-related disorders. Identifiers: MedGen CN239331.

Submissions (2):

Labcorp Genetics (formerly Invitae), Labcorp
Classification: Pathogenic for RYR1-related disorder. Last evaluated: 2024-03-04. Review status: criteria provided, single submitter. Criteria: Invitae Variant Classification Sherloc (09022015). Collection method: clinical testing. Allele origin: germline.
Comment: This sequence change creates a premature translational stop signal (p.Cys1268Alafs*4) in the RYR1 gene. It is expected to result in an absent or disrupted protein product. Loss-of-function variants in RYR1 are known to be pathogenic (PMID: 23919265, 25960145, 28818389, 30611313). The frequency data for this variant in the population databases is considered unreliable, as metrics indicate poor data quality at this position in the gnomAD database. This variant has not been reported in the literature in individuals affected with RYR1-related conditions. ClinVar contains an entry for this variant (Variation ID: 1986505). For these reasons, this variant has been classified as Pathogenic.

Revvity Omics, Revvity
Classification: Likely pathogenic. Last evaluated: 2023-09-15. Review status: criteria provided, single submitter. Criteria: ACMG Guidelines, 2015. Collection method: clinical testing. Allele origin: germline.

Literature cited by the submitters: PubMed 23919265 (cited by Labcorp Genetics (formerly Invitae), Labcorp); PubMed 25960145 (cited by Labcorp Genetics (formerly Invitae), Labcorp); PubMed 28818389 (cited by Labcorp Genetics (formerly Invitae), Labcorp); PubMed 30611313 (cited by Labcorp Genetics (formerly Invitae), Labcorp).

NM_000540.3(RYR1):c.3801del (p.Cys1268fs)

Gene: RYR1 (ryanodine receptor 1; plus strand). Cytogenetic location: 19q13.2.
Variant type: Deletion.
Coding change: c.3801del on transcript NM_000540.3 (MANE Select); coding-DNA position 3801, one base deleted (C; older notation c.3801delC).
Protein change: p.Cys1268fs; shifts the reading frame from cysteine 1268.
Molecular consequence: frameshift variant.
Genome position (GRCh38, 1-based): chr19:38,473,412, C deleted; the last of 6 consecutive C bases (chr19:38,473,407-38,473,412); deleting any one gives the same sequence. VCF-style (leftmost placement, unchanged base first): chr19-38473406-GC-G. GRCh37 (hg19) VCF-style: chr19-38964046-GC-G.
Other names: c.3801del, p.Cys1268fs (NM_001042723.2); short protein forms C1268fs.
Identifiers: ClinVar variation 1986505 (VCV001986505.5), dbSNP rs587784374, ClinGen allele CA632869268.
Genomic context (GRCh38, chr19:38,473,406, plus strand): 5'-CAGCCCAGTACTCCATTCCCTGCCACCTCAGGTATCCCGAGTGGACGGCACTGTGGACAC[GC>G]CCCCCTGCCTGCGCCTGACCCACCGCACCTGGGGCTCCCAGAACAGCCTGGTGGAGATGC-3'